The following is an entry in ClinVar:

ClinVar aggregate classification (germline): Likely pathogenic (1 of 4 stars; one submission).

Conditions:
Usher syndrome type 1G. Also called: USHER SYNDROME, TYPE IG, MILD. Identifiers: Orphanet 231169, Orphanet 886, MedGen C1847089, MONDO:0011748, OMIM 606943.

Submission:

Institute of Rare Diseases, West China Hospital, Sichuan University
Classification: Likely pathogenic for Usher syndrome type 1G. Last evaluated: 2025-01-09. Review status: criteria provided, single submitter. Criteria: ClinGen HL ACMG Specifications v1. Collection method: research. Allele origin: germline. Affected: yes.
Comment: PVS1;PM2_Supporting

NM_173477.5(USH1G):c.1219_1220insGGGC (p.Leu407fs)

Gene: USH1G (USH1 protein network component sans; minus strand). Cytogenetic location: 17q25.1.
Variant type: Insertion.
Coding change: c.1219_1220insGGGC on transcript NM_173477.5 (MANE Select); coding-DNA positions 1219 to 1220, GGGC inserted.
Protein change: p.Leu407fs; shifts the reading frame from leucine 407.
Molecular consequence: frameshift variant.
Genome position: GRCh38 VCF-style: chr17-74919616-A-AGCCC. GRCh37 (hg19) VCF-style: chr17-72915711-A-AGCCC.
Other names: c.910_911insGGGC, p.Leu304fs (NM_001282489.3); short protein forms L304fs, L407fs.
Identifiers: ClinVar variation 3601024 (VCV003601024.1).